The following is an entry in ClinVar:

ClinVar aggregate classification (germline): Benign. Review status: criteria provided, multiple submitters, no conflicts (2 of 4 stars). 2 submissions from 2 submitters: Benign (2). Last evaluated 2018-01-13.

Conditions:
Hereditary pheochromocytoma and paraganglioma. Also called: Hereditary Paraganglioma-Pheochromocytoma Syndromes; Hereditary paragangliomas and pheochromocytomas; Hereditary pheochromocytoma-paraganglioma. Identifiers: Orphanet 29072, MedGen C4274332, MONDO:0017366.

Allele frequency attached by ClinVar (database versions not stated): gnomAD 0.84717 and 0.84440; 1000 Genomes Project 30x 0.85899; 1000 Genomes Project 0.86142; gnomAD exomes 0.87413; TOPMed 0.84176.
gnomAD v4.1: 485,678 of 560,182 alleles (87%); highest among the groups gnomAD compares: East Asian, 98%; 211,053 homozygotes.

Submissions (2):

Illumina Laboratory Services, Illumina
Classification: Benign for Hereditary Paraganglioma-Pheochromocytoma Syndromes. Last evaluated: 2018-01-13. Review status: criteria provided, single submitter. Criteria: ICSL Variant Classification Criteria 13 December 2019. Collection method: clinical testing. Allele origin: germline.
Comment: This variant was observed in the ICSL laboratory as part of a predisposition screen in an ostensibly healthy population. It had not been previously curated by ICSL or reported in the Human Gene Mutation Database (HGMD: prior to June 1st, 2018), and was therefore a candidate for classification through an automated scoring system. Utilizing variant allele frequency, disease prevalence and penetrance estimates, and inheritance mode, an automated score was calculated to assess if this variant is too frequent to cause the disease. Based on the score and internal cut-off values, a variant classified as benign is not then subjected to further curation. The score for this variant resulted in a classification of benign for this disease.

Breakthrough Genomics
Classification: Benign. Review status: criteria provided, single submitter. Criteria: ACMG Guidelines, 2015. Collection method: not provided. Allele origin: germline. Inheritance: Autosomal dominant inheritance. Affected: yes.

NM_017841.4(SDHAF2):c.*377T>C

Gene: SDHAF2 (succinate dehydrogenase complex assembly factor 2; plus strand). Cytogenetic location: 11q12.2.
Variant type: single nucleotide variant.
Coding change: c.*377T>C on transcript NM_017841.4 (MANE Select); 377 bases downstream of the stop codon, T replaced by C.
Molecular consequence: 3 prime UTR variant.
Genome position (GRCh38, 1-based): chr11:61,446,448, T>C. VCF-style: chr11-61446448-T-C. GRCh37 (hg19) VCF-style: chr11-61213920-T-C.
Identifiers: ClinVar variation 305100 (VCV000305100.6), dbSNP rs17702, ClinGen allele CA10638837.